The following is an entry in ClinVar:

ClinVar aggregate classification (germline): Likely pathogenic. Review status: criteria provided, multiple submitters, no conflicts (2 of 4 stars). 3 submissions from 3 submitters: Likely pathogenic (2). 1 of the submissions does not count toward it. Last evaluated 2019-10-29.

Conditions:
beta Thalassemia (BTHAL). Also called: Cooley's anemia; Erythroblastic anemia; Mediterranean anemia. Identifiers: Orphanet 848, MedGen C0005283, MONDO:0019402. Disease mechanism: loss of function.
Hemoglobinopathy. Also called: Hemoglobin disorder; Haemoglobinopathies. Identifiers: MedGen C0019045, MONDO:0044348.

Submissions (3):

Quest Diagnostics Nichols Institute San Juan Capistrano
Classification: Likely pathogenic. Last evaluated: 2019-10-29. Review status: criteria provided, single submitter. Criteria: Quest Diagnostics criteria. Collection method: clinical testing. Allele origin: unknown.
Comment: The variant results in a shift of the reading frame, and is therefore predicted to result in the loss of a functional protein. Not found in the total gnomAD dataset, and the data is high quality.

Women's Health and Genetics/Laboratory Corporation of America, LabCorp
Classification: Likely pathogenic for Hemoglobinopathy. Last evaluated: 2017-11-01. Review status: criteria provided, single submitter. Criteria: LabCorp Variant Classification Summary - May 2015. Collection method: clinical testing. Allele origin: germline.
Comment: Variant summary: The HBB c.176delC (p.Pro59LeufsX3) variant results in a premature termination codon, predicted to cause a truncated or absent HBB protein due to nonsense mediated decay, which are commonly known mechanisms for disease. Truncations downstream of this position have been classified as pathogenic by our laboratory (e.g. c.217dupA, p.Ser73fsX2; c.230delC, p.Ala77fsX13; c.251delG, p.Gly84fsX6). One in silico tool predicts a damaging outcome for this variant. This variant is absent in 246206 control chromosomes. The variant of interest has not, to our knowledge, been reported in affected individuals via publications nor evaluated for functional impact by in vivo/vitro studies. The variant has not been reported by reputable clinical labs. Taken together, this variant is classified as likely pathogenic.

Natera, Inc.
Classification: Likely pathogenic for Beta thalassemia. Last evaluated: 2020-09-01. Review status: no assertion criteria provided. Collection method: clinical testing. Allele origin: germline. Not counted in ClinVar's aggregate classification.

NM_000518.5(HBB):c.176del (p.Pro59fs)

Genes: HBB (hemoglobin subunit beta; minus strand), LOC106099062 (HBB recombination region; plus strand), LOC107133510 (origin of replication at HBB; plus strand). Cytogenetic location: 11p15.4.
Variant type: Deletion.
Coding change: c.176del on transcript NM_000518.5 (MANE Select); coding-DNA position 176, one base deleted (C; older notation c.176delC).
Protein change: p.Pro59fs; shifts the reading frame from proline 59.
Molecular consequence: frameshift variant.
Genome position (GRCh38, 1-based): chr11:5,226,716, G deleted on the plus strand (C on the coding strand, the reverse complement: HBB is on the minus strand); the first of 3 consecutive G bases (chr11:5,226,716-5,226,718); deleting any one gives the same sequence. VCF-style (leftmost placement, unchanged base first): chr11-5226715-AG-A. GRCh37 (hg19) VCF-style: chr11-5247945-AG-A.
Other names: c.176del (NM_000518.4); short protein forms P59fs.
Identifiers: ClinVar variation 632845 (VCV000632845.3), dbSNP rs35395625, ClinGen allele CA913190238.